The following is an entry in ClinVar:

NM_001035.3(RYR2):c.*714C>G

Gene: RYR2 (ryanodine receptor 2; plus strand). Cytogenetic location: 1q43.
Variant type: single nucleotide variant.
Coding change: c.*714C>G on transcript NM_001035.3 (MANE Select); 714 bases downstream of the stop codon, C replaced by G.
Molecular consequence: 3 prime UTR variant.
Genome position (GRCh38, 1-based): chr1:237,833,361, C>G. VCF-style: chr1-237833361-C-G. GRCh37 (hg19) VCF-style: chr1-237996661-C-G.
Other names: c.*714C>G (LRG_402t1).
Identifiers: ClinVar variation 296799 (VCV000296799.6), dbSNP rs12406863, ClinGen allele CA10610669.
Genomic context (GRCh38, chr1:237,833,361, plus strand): 5'-TGTGTCTCAGGACAAAAGGAGGCTCTTCTCATTCAGCTAAATTCACATTTGCCCCCCCCC[C>G]CCGCCCCCGCCCCCATATGCTCCTGCTATTATTTTGGTAATGCTCTGATGCAACATTGCA-3'

ClinVar aggregate classification (germline): Benign. Review status: criteria provided, multiple submitters, no conflicts (2 of 4 stars). 3 submissions from 2 submitters: Benign (3). Last evaluated 2018-01-13.

Conditions:
Catecholaminergic polymorphic ventricular tachycardia 1. Also called: VENTRICULAR TACHYCARDIA, CATECHOLAMINERGIC POLYMORPHIC, 1, WITH OR WITHOUT ATRIAL DYSFUNCTION AND/OR DILATED CARDIOMYOPATHY; VENTRICULAR TACHYCARDIA, STRESS-INDUCED POLYMORPHIC 1; RYR2-Related Catecholaminergic Polymorphic Ventricular Tachycardia. Identifiers: Orphanet 3286, MedGen C1631597, MONDO:0011484, OMIM 604772.
Arrhythmogenic right ventricular dysplasia 2. Identifiers: MedGen C1832931.

Allele frequency attached by ClinVar (database versions not stated): 1000 Genomes Project 0.22045.

Submissions (3):

Illumina Laboratory Services, Illumina
Classification: Benign for Catecholaminergic polymorphic ventricular tachycardia 1. Last evaluated: 2018-01-13. Review status: criteria provided, single submitter. Criteria: ICSL Variant Classification Criteria 13 December 2019. Collection method: clinical testing. Allele origin: germline.
Comment: This variant was observed in the ICSL laboratory as part of a predisposition screen in an ostensibly healthy population. It had not been previously curated by ICSL or reported in the Human Gene Mutation Database (HGMD: prior to June 1st, 2018), and was therefore a candidate for classification through an automated scoring system. Utilizing variant allele frequency, disease prevalence and penetrance estimates, and inheritance mode, an automated score was calculated to assess if this variant is too frequent to cause the disease. Based on the score and internal cut-off values, a variant classified as benign is not then subjected to further curation. The score for this variant resulted in a classification of benign for this disease.

Illumina Laboratory Services, Illumina
Classification: Benign for Catecholaminergic polymorphic ventricular tachycardia 1. Last evaluated: 2018-01-13. Review status: criteria provided, single submitter. Criteria: ICSL Variant Classification Criteria 13 December 2019. Collection method: clinical testing. Allele origin: germline.
Comment: the same text as in the submission from Illumina Laboratory Services, Illumina above.

Breakthrough Genomics
Classification: Benign. Review status: criteria provided, single submitter. Criteria: ACMG Guidelines, 2015. Collection method: not provided. Allele origin: germline. Inheritance: Autosomal dominant inheritance. Affected: yes.